The following is an entry in ClinVar:

ClinVar aggregate classification (germline): Uncertain significance (1 of 4 stars; one submission).

Allele frequency attached by ClinVar (database versions not stated): gnomAD 0.00001; TOPMed 0.00001.

Submission:

Labcorp Genetics (formerly Invitae), Labcorp
Classification: Uncertain significance. Last evaluated: 2021-08-18. Review status: criteria provided, single submitter. Criteria: Invitae Variant Classification Sherloc (09022015). Collection method: clinical testing. Allele origin: germline.
Comment: This variant is not present in population databases (ExAC no frequency). This variant has not been reported in the literature in individuals affected with PDZD7-related conditions. Algorithms developed to predict the effect of missense changes on protein structure and function are either unavailable or do not agree on the potential impact of this missense change (SIFT: "Tolerated"; PolyPhen-2: "Not Available"; Align-GVGD: "Class C0"). In summary, the available evidence is currently insufficient to determine the role of this variant in disease. Therefore, it has been classified as a Variant of Uncertain Significance. This sequence change replaces serine with proline at codon 37 of the PDZD7 protein (p.Ser37Pro). The serine residue is weakly conserved and there is a moderate physicochemical difference between serine and proline.

NM_001195263.2(PDZD7):c.109T>C (p.Ser37Pro)

Gene: PDZD7 (PDZ domain containing 7; minus strand). Cytogenetic location: 10q24.31.
Variant type: single nucleotide variant.
Coding change: c.109T>C on transcript NM_001195263.2 (MANE Select); coding-DNA position 109, T replaced by C.
Protein change: p.Ser37Pro; replaces serine 37 with proline.
Molecular consequence: missense variant.
Genome position (GRCh38, 1-based): chr10:101,030,111, A>G on the plus strand (T>C on the coding strand, the complement: PDZD7 is on the minus strand). VCF-style: chr10-101030111-A-G. GRCh37 (hg19) VCF-style: chr10-102789868-A-G.
Other names: c.109T>C, p.Ser37Pro (NM_001351044.2, NM_024895.5); short protein forms S37P.
Identifiers: ClinVar variation 1460752 (VCV001460752.6), dbSNP rs1210259607, ClinGen allele CA378231375.